The following is an entry in ClinVar:

NM_003482.4(KMT2D):c.5496A>T (p.Glu1832Asp)

Gene: KMT2D (lysine methyltransferase 2D; minus strand). Cytogenetic location: 12q13.12.
Variant type: single nucleotide variant.
Coding change: c.5496A>T on transcript NM_003482.4 (MANE Select); coding-DNA position 5496, A replaced by T.
Protein change: p.Glu1832Asp; replaces glutamic acid 1832 with aspartic acid.
Molecular consequence: missense variant.
Genome position (GRCh38, 1-based): chr12:49,043,400, T>A on the plus strand (A>T on the coding strand, the complement: KMT2D is on the minus strand). VCF-style: chr12-49043400-T-A. GRCh37 (hg19) VCF-style: chr12-49437183-T-A.
Other names: short protein forms E1832D.
Identifiers: ClinVar variation 3719804 (VCV003719804.3).

ClinVar aggregate classification (germline): Benign/Likely benign. Review status: criteria provided, multiple submitters, no conflicts (2 of 4 stars). 2 submissions from 2 submitters: Benign (1); Likely benign (1). Last evaluated 2025-10-18.

Conditions:
Kabuki syndrome. Also called: Kabuki make-up syndrome; NIIKAWA-KUROKI SYNDROME. Identifiers: Orphanet 2322, MedGen C0796004, MONDO:0016512.

Submissions (2):

Labcorp Genetics (formerly Invitae), Labcorp
Classification: Benign for Kabuki syndrome. Last evaluated: 2025-10-18. Review status: criteria provided, single submitter. Criteria: Invitae Variant Classification Sherloc (09022015). Collection method: clinical testing. Allele origin: germline.

Women's Health and Genetics/Laboratory Corporation of America, LabCorp
Classification: Likely benign. Last evaluated: 2025-05-13. Review status: criteria provided, single submitter. Criteria: LabCorp Variant Classification Summary - May 2015. Collection method: clinical testing. Allele origin: germline.
Comment: Variant summary: KMT2D c.5496A>T (p.Glu1832Asp) results in a conservative amino acid change in the encoded protein sequence. Algorithms developed to predict the effect of missense changes on protein structure and function all suggest that this variant is likely to be tolerated. The variant allele was found at a frequency of 2e-05 in 1613862 control chromosomes, predominantly at a frequency of 0.00039 within the African or African-American subpopulation in the gnomAD database, suggesting the variant may be benign. To our knowledge, no occurrence of c.5496A>T in individuals affected with Kabuki Syndrome 1 and no experimental evidence demonstrating its impact on protein function have been reported. ClinVar contains an entry for this variant (Variation ID: 3719804). Based on the evidence outlined above, the variant was classified as likely benign.